The following is an entry in ClinVar:

NM_001134407.3(GRIN2A):c.593G>A (p.Trp198Ter)

Gene: GRIN2A (glutamate ionotropic receptor NMDA type subunit 2A; minus strand). Cytogenetic location: 16p13.2.
Variant type: single nucleotide variant.
Coding change: c.593G>A on transcript NM_001134407.3 (MANE Select); coding-DNA position 593, G replaced by A.
Protein change: p.Trp198Ter; replaces tryptophan 198 with a stop codon.
Molecular consequence: nonsense.
Genome position (GRCh38, 1-based): chr16:9,938,373, C>T on the plus strand (G>A on the coding strand, the complement: GRIN2A is on the minus strand). VCF-style: chr16-9938373-C-T. GRCh37 (hg19) VCF-style: chr16-10032230-C-T.
Other names: c.593G>A, p.Trp198Ter (NM_000833.5, NM_001134408.2); short protein forms W198*.
Identifiers: ClinVar variation 1028882 (VCV001028882.1), dbSNP rs1555455727, ClinGen allele CA394798931.
Genomic context (GRCh38, chr16:9,938,373, plus strand): 5'-TGGACTTGTGTCTTTGCATCCTCAAAGGAAGTGTCCAGTGTGATCACATTCTGCATGTCC[C>T]AGCCCACAAAGCTGTTGTCCACTGTGGTCTTGACGAAGCTGATGAATTCCCTGTAGCCAG-3'

ClinVar aggregate classification (germline): Pathogenic (1 of 4 stars; one submission).

Conditions:
Landau-Kleffner syndrome (FESD). Also called: APHASIA, ACQUIRED, WITH EPILEPSY; EPILEPSY, FOCAL, WITH SPEECH DISORDER AND WITH OR WITHOUT MENTAL RETARDATION. Identifiers: Orphanet 1945, Orphanet 725, Orphanet 98818, MedGen C0282512, MONDO:0009509, OMIM 245570.

Submission:

Baylor Genetics
Classification: Pathogenic for Landau-Kleffner syndrome. Last evaluated: 2020-02-01. Review status: criteria provided, single submitter. Criteria: ACMG Guidelines, 2015. Collection method: clinical testing. Allele origin: unknown. Affected: yes.
Comment: This variant was determined to be pathogenic according to ACMG Guidelines, 2015 [PMID:25741868].